The following is an entry in ClinVar:

ClinVar aggregate classification (germline): Likely benign. Review status: criteria provided, multiple submitters, no conflicts (2 of 4 stars). 2 submissions from 2 submitters: Likely benign (2). Last evaluated 2023-12-01.

Conditions:
Left ventricular noncompaction 8 (LVNC8). Identifiers: Orphanet 154, Orphanet 54260, MedGen C3809288, MONDO:0014152, OMIM 615373.

Allele frequency attached by ClinVar (database versions not stated): gnomAD exomes 0.00004 and 0.00006; TOPMed 0.00004; ExAC 0.00005; gnomAD 0.00007 and 0.00008; ESP Exome Variant Server 0.00008.
gnomAD v4.1: 103 of 1,611,666 alleles (0.0064%); highest among the groups gnomAD compares: Admixed American, 0.0083%; no homozygotes.

Submissions (2):

CeGaT Center for Human Genetics Tuebingen
Classification: Likely benign. Last evaluated: 2023-12-01. Review status: criteria provided, single submitter. Criteria: CeGaT Center For Human Genetics Tuebingen Variant Classification Criteria Version 2. Collection method: clinical testing. Allele origin: germline. Affected: yes. Observed: 1 variant allele.
Comment: PRDM16: BP4, BP7

Labcorp Genetics (formerly Invitae), Labcorp
Classification: Likely benign for Left ventricular noncompaction 8. Last evaluated: 2023-08-25. Review status: criteria provided, single submitter. Criteria: Invitae Variant Classification Sherloc (09022015). Collection method: clinical testing. Allele origin: germline.

NM_022114.4(PRDM16):c.1614C>A (p.Pro538=)

Gene: PRDM16 (PR/SET domain 16; plus strand). Cytogenetic location: 1p36.32.
Variant type: single nucleotide variant.
Coding change: c.1614C>A on transcript NM_022114.4 (MANE Select); coding-DNA position 1614, C replaced by A.
Protein change: p.Pro538=; no amino-acid change (proline 538 retained).
Molecular consequence: synonymous variant.
Genome position (GRCh38, 1-based): chr1:3,411,811, C>A. VCF-style: chr1-3411811-C-A. GRCh37 (hg19) VCF-style: chr1-3328375-C-A.
Other names: c.1614C>A, p.Pro538= (NM_199454.3).
Identifiers: ClinVar variation 1591476 (VCV001591476.30), dbSNP rs375659212, ClinGen allele CA544235.
Genomic context (GRCh38, chr1:3,411,811, plus strand): 5'-CCCTCCATCCTTGTACCCCCGGCCGCCTCTGCTACCTCCCACATCGCTGCTCAAGAGCCC[C>A]CTGAACCACACCCAGGACGCCAAGCTCCCCAGTCCCCTGGGGAACCCAGCCCTGCCCCTG-3'
Protein context (NP_071397.3, residues 528-548): LLPPTSLLKS[Pro538=]LNHTQDAKLP